The following is an entry in ClinVar:

NM_001165963.4(SCN1A):c.2966C>T (p.Ala989Val)

Gene: SCN1A (sodium voltage-gated channel alpha subunit 1; minus strand). Cytogenetic location: 2q24.3.
Variant type: single nucleotide variant.
Coding change: c.2966C>T on transcript NM_001165963.4 (MANE Select); coding-DNA position 2966, C replaced by T.
Protein change: p.Ala989Val; replaces alanine 989 with valine.
Molecular consequence: missense variant. On other transcripts: non-coding transcript variant (1).
Genome position (GRCh38, 1-based): chr2:166,036,511, G>A on the plus strand (C>T on the coding strand, the complement: SCN1A is on the minus strand). VCF-style: chr2-166036511-G-A. GRCh37 (hg19) VCF-style: chr2-166893021-G-A.
Other names: p.A989V:GCC>GTC; c.2882C>T, p.Ala961Val (NM_001165964.3, NM_001353957.2, NM_001353958.2); c.2966C>T, p.Ala989Val (NM_001202435.3, NM_001353948.2); c.2933C>T, p.Ala978Val (NM_001353949.2, NM_001353950.2, NM_001353951.2 and 2 more transcripts); c.2930C>T, p.Ala977Val (NM_001353954.2, NM_001353955.2); c.2879C>T, p.Ala960Val (NM_001353960.2); c.524C>T, p.Ala175Val (NM_001353961.2); short protein forms A978V, A989V, A961V, A175V, A960V, A977V.
Identifiers: ClinVar variation 206794 (VCV000206794.11), dbSNP rs796052990, ClinGen allele CA317339.

ClinVar aggregate classification (germline): Pathogenic/Likely pathogenic. Review status: criteria provided, multiple submitters, no conflicts (2 of 4 stars). 2 submissions from 2 submitters: Pathogenic (1); Likely pathogenic (1). Last evaluated 2024-04-25.

Conditions:
Early-infantile DEE. Also called: Ohtahara syndrome; Early infantile epileptic encephalopathy; Early infantile epileptic encephalopathy with suppression bursts. Identifiers: Orphanet 1934, MedGen C0393706, MONDO:0800491.

Submissions (2):

Labcorp Genetics (formerly Invitae), Labcorp
Classification: Pathogenic for Early-infantile DEE. Last evaluated: 2024-04-25. Review status: criteria provided, single submitter. Criteria: Invitae Variant Classification Sherloc (09022015). Collection method: clinical testing. Allele origin: germline.
Comment: This sequence change replaces alanine, which is neutral and non-polar, with valine, which is neutral and non-polar, at codon 989 of the SCN1A protein (p.Ala989Val). This variant is not present in population databases (gnomAD no frequency). This missense change has been observed in individual(s) with autosomal dominant SCN1A-related conditions (PMID: 29655203, 35087721). In at least one individual the variant was observed to be de novo. ClinVar contains an entry for this variant (Variation ID: 206794). Advanced modeling of protein sequence and biophysical properties (such as structural, functional, and spatial information, amino acid conservation, physicochemical variation, residue mobility, and thermodynamic stability) performed at Invitae indicates that this missense variant is expected to disrupt SCN1A protein function with a positive predictive value of 95%. For these reasons, this variant has been classified as Pathogenic.

GeneDx
Classification: Likely pathogenic. Last evaluated: 2017-01-06. Review status: criteria provided, single submitter. Criteria: GeneDx Variant Classification (06012015). Collection method: clinical testing. Allele origin: germline. Affected: yes.
Comment: The A989V variant has not been published as a mutation, nor has it been reported as a benign polymorphism to our knowledge. It was not observed in approximately 6,500 individuals of European and African American ancestry in the NHLBI Exome Sequencing Project, indicating it is not a common benign variant in these populations. The A989V variant is a conservative amino acid substitution, which is not likely to impact secondary protein structure as these residues share similar properties. This substitution alters a highly conserved position in transmembrane segment S6 in the second homologous domain of the SCN1A protein (Escayg et al., 2010), and multiple other missense mutations in this region have been reported in association with SCN1A-related disorders in external mutation databases, supporting the functional importance of this region of the protein. Additionally, in silico analysis predicts this variant is probably damaging to the protein structure/function. Therefore, this variant is a strong candidate for a pathogenic variant, however the possibility that it is a benign variant cannot be excluded.

Literature cited by the submitters: PubMed 29655203 (cited by Labcorp Genetics (formerly Invitae), Labcorp); PubMed 35087721 (cited by Labcorp Genetics (formerly Invitae), Labcorp).